The following is an entry in ClinVar:

ClinVar aggregate classification (germline): Uncertain significance (1 of 4 stars; one submission).

Conditions:
Left ventricular noncompaction 8 (LVNC8). Identifiers: Orphanet 154, Orphanet 54260, MedGen C3809288, MONDO:0014152, OMIM 615373.

Submission:

Labcorp Genetics (formerly Invitae), Labcorp
Classification: Uncertain significance for Left ventricular noncompaction 8. Last evaluated: 2026-01-19. Review status: criteria provided, single submitter. Criteria: Invitae Variant Classification Sherloc (09022015). Collection method: clinical testing. Allele origin: germline.
Comment: This sequence change replaces proline, which is neutral and non-polar, with alanine, which is neutral and non-polar, at codon 467 of the PRDM16 protein (p.Pro467Ala). This variant is not present in population databases (gnomAD no frequency). This variant has not been reported in the literature in individuals affected with PRDM16-related conditions. An algorithm developed to predict the effect of missense changes on protein structure and function (PolyPhen-2) suggests that this variant is likely to be tolerated. In summary, the available evidence is currently insufficient to determine the role of this variant in disease. Therefore, it has been classified as a Variant of Uncertain Significance.

NM_022114.4(PRDM16):c.1399C>G (p.Pro467Ala)

Gene: PRDM16 (PR/SET domain 16; plus strand). Cytogenetic location: 1p36.32.
Variant type: single nucleotide variant.
Coding change: c.1399C>G on transcript NM_022114.4 (MANE Select); coding-DNA position 1399, C replaced by G.
Protein change: p.Pro467Ala; replaces proline 467 with alanine.
Molecular consequence: missense variant.
Genome position (GRCh38, 1-based): chr1:3,411,596, C>G. VCF-style: chr1-3411596-C-G. GRCh37 (hg19) VCF-style: chr1-3328160-C-G.
Other names: c.1399C>G, p.Pro467Ala (NM_199454.3); short protein forms P467A.
Identifiers: ClinVar variation 4735750 (VCV004735750.1).